The following is an entry in ClinVar:

ClinVar aggregate classification (germline): Likely pathogenic. Review status: criteria provided, multiple submitters, no conflicts (2 of 4 stars). 2 submissions from 2 submitters: Likely pathogenic (2). Last evaluated 2025-04-07.

Conditions:
Alport syndrome. Also called: Hemorrhagic familial nephritis; Hemorrhagic hereditary nephritis; Congenital hereditary hematuria. Identifiers: Orphanet 63, MedGen C1567741, MONDO:0018965.

gnomAD v4.1: 1 of 1,613,776 alleles (0.000062%); highest among the groups gnomAD compares: South Asian, 0.0011%; no homozygotes.

Submissions (2):

Natera, Inc.
Classification: Likely pathogenic for Alport syndrome. Last evaluated: 2025-04-07. Review status: criteria provided, single submitter. Criteria: Natera Variant Classification Schema (03/2026). Collection method: clinical testing. Allele origin: germline.
Comment: The c.2717-2A>G variant in COL4A4 is a canonical splice acceptor site variant predicted to affect pre-mRNA splicing, which may result in an abnormal transcript and altered protein product. This variant is expected to result in nonsense mediated decay, truncation, or a dysfunctional protein product. This variant is rare in the general population with a frequency below the threshold expected for the associated phenotype(s). This variant has been observed in one or more individuals affected with the associated recessive disease, as either homozygous or compound heterozygous with a second variant (PMID: 33772369, 24854265). Given the available evidence, this variant is classified as Likely Pathogenic.

Labcorp Genetics (formerly Invitae), Labcorp
Classification: Likely pathogenic. Last evaluated: 2021-11-24. Review status: criteria provided, single submitter. Criteria: Invitae Variant Classification Sherloc (09022015). Collection method: clinical testing. Allele origin: germline.
Comment: Disruption of this splice site has been observed in individual(s) with COL4A4-related conditions (PMID: 24854265). In summary, the currently available evidence indicates that the variant is pathogenic, but additional data are needed to prove that conclusively. Therefore, this variant has been classified as Likely Pathogenic. Algorithms developed to predict the effect of sequence changes on RNA splicing suggest that this variant may disrupt the consensus splice site. This variant is not present in population databases (gnomAD no frequency). This sequence change affects an acceptor splice site in intron 30 of the COL4A4 gene. It is expected to disrupt RNA splicing. Variants that disrupt the donor or acceptor splice site typically lead to a loss of protein function (PMID: 16199547), and loss-of-function variants in COL4A4 are known to be pathogenic (PMID: 21196518, 24854265, 25307543).

Literature cited by the submitters: PubMed 33772369 (cited by Natera, Inc.); PubMed 24854265 (cited by Natera, Inc. and Labcorp Genetics (formerly Invitae), Labcorp); PubMed 16199547 (cited by Labcorp Genetics (formerly Invitae), Labcorp); PubMed 21196518 (cited by Labcorp Genetics (formerly Invitae), Labcorp); PubMed 25307543 (cited by Labcorp Genetics (formerly Invitae), Labcorp).

NM_000092.5(COL4A4):c.2717-2A>G

Gene: COL4A4 (collagen type IV alpha 4 chain; minus strand). Cytogenetic location: 2q36.3.
Variant type: single nucleotide variant.
Coding change: c.2717-2A>G on transcript NM_000092.5 (MANE Select); the canonical splice acceptor site of the intron before coding-DNA position 2717, A replaced by G.
Molecular consequence: splice acceptor variant.
Genome position (GRCh38, 1-based): chr2:227,054,739, T>C on the plus strand (A>G on the coding strand, the complement: COL4A4 is on the minus strand). VCF-style: chr2-227054739-T-C. GRCh37 (hg19) VCF-style: chr2-227919455-T-C.
Other names: c.2717-2A>G (NM_000092.4).
Identifiers: ClinVar variation 1487376 (VCV001487376.8), dbSNP rs2150221409, ClinGen allele CA350840418.
Genomic context (GRCh38, chr2:227,054,739, plus strand): 5'-TGCACCAGGCTTTCCTCTTTCTCCGGGAAAACCTGGGAAACCAGGCAGCCCCCGGGGTCC[T>C]GGTGAAATGAGAGCATAAAGTTTTAGGAAAATATTTTATTTGTTATTTATTTTTTCAGGG-3'